The following is an entry in ClinVar:

NM_153460.4(IL17RC):c.88G>T (p.Ala30Ser)

Gene: IL17RC (interleukin 17 receptor C; plus strand). Cytogenetic location: 3p25.3.
Variant type: single nucleotide variant.
Coding change: c.88G>T on transcript NM_153460.4 (MANE Select); coding-DNA position 88, G replaced by T.
Protein change: p.Ala30Ser; replaces alanine 30 with serine.
Molecular consequence: missense variant. On other transcripts: non-coding transcript variant (1).
Genome position (GRCh38, 1-based): chr3:9,917,403, G>T. VCF-style: chr3-9917403-G-T. GRCh37 (hg19) VCF-style: chr3-9959087-G-T.
Other names: c.88G>T, p.Ala30Ser (NM_001203263.2, NM_001203264.2, NM_001203265.2 and 5 more transcripts); short protein forms A30S.
Identifiers: ClinVar variation 581719 (VCV000581719.3), dbSNP rs756868871, ClinGen allele CA2246651.

ClinVar aggregate classification (germline): Uncertain significance. Review status: criteria provided, multiple submitters, no conflicts (2 of 4 stars). 2 submissions from 2 submitters: Uncertain significance (2). Last evaluated 2021-08-30.

Conditions:
Candidiasis, familial, 9 (CANDF9). Identifiers: Orphanet 1334, MedGen C4225324, MONDO:0014642, OMIM 616445.

Allele frequency attached by ClinVar (database versions not stated): ExAC 0.00001; gnomAD exomes 0.00001.
gnomAD v4.1: 11 of 1,614,162 alleles (0.00068%); highest among the groups gnomAD compares: South Asian, 0.0022%; no homozygotes.

Submissions (2):

Ambry Genetics
Classification: Uncertain significance. Last evaluated: 2021-08-30. Review status: criteria provided, single submitter. Criteria: Ambry Variant Classification Scheme 2023. Collection method: clinical testing. Allele origin: germline.

Labcorp Genetics (formerly Invitae), Labcorp
Classification: Uncertain significance for Candidiasis, familial, 9. Last evaluated: 2018-06-27. Review status: criteria provided, single submitter. Criteria: Invitae Variant Classification Sherloc (09022015). Collection method: clinical testing. Allele origin: germline.
Comment: This sequence change replaces alanine with serine at codon 30 of the IL17RC protein (p.Ala30Ser). The alanine residue is weakly conserved and there is a moderate physicochemical difference between alanine and serine. This variant is present in population databases (rs756868871, ExAC 0.006%). This variant has not been reported in the literature in individuals with IL17RC-related disease. Algorithms developed to predict the effect of missense changes on protein structure and function are either unavailable or do not agree on the potential impact of this missense change (SIFT: "Tolerated"; PolyPhen-2: "Possibly Damaging"; Align-GVGD: "Class C0"). In summary, the available evidence is currently insufficient to determine the role of this variant in disease. Therefore, it has been classified as a Variant of Uncertain Significance.